The following is an entry in ClinVar:

NM_024706.5(ZNF668):c.273G>A (p.Lys91=)

Gene: ZNF668 (zinc finger protein 668; minus strand). Cytogenetic location: 16p11.2.
Variant type: single nucleotide variant.
Coding change: c.273G>A on transcript NM_024706.5 (MANE Select); coding-DNA position 273, G replaced by A.
Protein change: p.Lys91=; no amino-acid change (lysine 91 retained).
Molecular consequence: synonymous variant.
Genome position (GRCh38, 1-based): chr16:31,064,187, C>T on the plus strand (G>A on the coding strand, the complement: ZNF668 is on the minus strand). VCF-style: chr16-31064187-C-T. GRCh37 (hg19) VCF-style: chr16-31075508-C-T.
Other names: c.273G>A, p.Lys91= (NM_001172668.2, NM_001172670.2); c.342G>A, p.Lys114= (NM_001172669.2).
Identifiers: ClinVar variation 3030139 (VCV003030139.2), dbSNP rs1205256532, ClinGen allele CA494921729.

ClinVar aggregate classification (germline): Likely benign (0 of 4 stars; one submission).

Conditions:
ZNF668-related disorder. Also called: ZNF668-related condition.

gnomAD v4.1: 9 of 1,612,112 alleles (0.00056%); highest among the groups gnomAD compares: Non-Finnish European, 0.00076%; no homozygotes.

Submission:

PreventionGenetics, part of Exact Sciences
Classification: Likely benign for ZNF668-related condition. Last evaluated: 2020-11-30. Review status: no assertion criteria provided. Collection method: clinical testing. Allele origin: germline.
Comment: This variant is classified as likely benign based on ACMG/AMP sequence variant interpretation guidelines (Richards et al. 2015 PMID: 25741868, with internal and published modifications).